The following is an entry in ClinVar:

ClinVar aggregate classification (germline): Uncertain significance. Review status: criteria provided, multiple submitters, no conflicts (2 of 4 stars). 7 submissions from 7 submitters: Uncertain significance (5). 2 of the submissions do not count toward it. Last evaluated 2026-01-19.

Conditions:
Hereditary cancer-predisposing syndrome. Also called: Hereditary Cancer Syndrome; Hereditary neoplastic syndrome; Tumor predisposition; Neoplastic Syndromes, Hereditary. Identifiers: Orphanet 140162, MedGen C0027672, MeSH D009386, MONDO:0015356.
Familial cancer of breast. Also called: BREAST CANCER, FAMILIAL; hereditary breast carcinoma; Hereditary breast cancer. Identifiers: Orphanet 227535, MedGen C0346153, MONDO:0016419, OMIM 114480. Disease mechanism: loss of function.

Allele frequency attached by ClinVar (database versions not stated): gnomAD exomes below 0.00001.
gnomAD v4.1: 1 of 1,614,080 alleles (0.000062%); highest among the groups gnomAD compares: Middle Eastern, 0.016%; no homozygotes.

Submissions (7):

Labcorp Genetics (formerly Invitae), Labcorp
Classification: Uncertain significance for Familial cancer of breast. Last evaluated: 2026-01-19. Review status: criteria provided, single submitter. Criteria: Invitae Variant Classification Sherloc (09022015). Collection method: clinical testing. Allele origin: germline.
Comment: This sequence change replaces serine, which is neutral and polar, with leucine, which is neutral and non-polar, at codon 285 of the PALB2 protein (p.Ser285Leu). This variant is not present in population databases (gnomAD no frequency). This missense change has been observed in individual(s) with pancreatic cancer (PMID: 19635604). ClinVar contains an entry for this variant (Variation ID: 126775). An algorithm developed to predict the effect of missense changes on protein structure and function outputs the following: PolyPhen-2: "Possibly Damaging". The leucine amino acid residue is found in multiple mammalian species, which suggests that this missense change does not adversely affect protein function. In summary, the available evidence is currently insufficient to determine the role of this variant in disease. Therefore, it has been classified as a Variant of Uncertain Significance.

Ambry Genetics
Classification: Uncertain significance for Hereditary cancer-predisposing syndrome. Last evaluated: 2025-07-20. Review status: criteria provided, single submitter. Criteria: Ambry Variant Classification Scheme 2023. Collection method: clinical testing. Allele origin: germline.
Comment: The p.S285L variant (also known as c.854C>T), located in coding exon 4 of the PALB2 gene, results from a C to T substitution at nucleotide position 854. The serine at codon 285 is replaced by leucine, an amino acid with dissimilar properties. This alteration was identified in individual with young onset pancreatic cancer with no family history (Tischkowitz MD et al. Gastroenterology, 2009 Sep;137:1183-6). This amino acid position is well conserved in available vertebrate species. In addition, this alteration is predicted to be tolerated by in silico analysis. Since supporting evidence is limited at this time, the clinical significance of this alteration remains unclear.

Myriad Genetics, Inc.
Classification: Uncertain significance for Familial cancer of breast. Last evaluated: 2023-03-31. Review status: criteria provided, single submitter. Criteria: Myriad Autosomal Dominant, Autosomal Recessive and X-Linked Classification Criteria (2023). Collection method: clinical testing. Allele origin: unknown.
Comment: This variant is classified as a variant of uncertain significance as there is insufficient evidence to determine its impact on protein function and/or cancer risk.

Color Diagnostics, LLC DBA Color Health
Classification: Uncertain significance for Hereditary cancer-predisposing syndrome. Last evaluated: 2019-02-12. Review status: criteria provided, single submitter. Criteria: ACMG Guidelines, 2015. Collection method: clinical testing. Allele origin: germline.

Breakthrough Genomics
Classification: Uncertain significance. Review status: criteria provided, single submitter. Criteria: ACMG Guidelines, 2015. Collection method: not provided. Allele origin: germline. Inheritance: Autosomal dominant inheritance. Affected: yes.

Leiden Open Variation Database
Classification: Uncertain significance for Familial cancer of breast. Last evaluated: 2019-05-13. Review status: no assertion criteria provided. Collection method: curation. Allele origin: germline. Affected: yes. Not counted in ClinVar's aggregate classification.
Comment: Curators: Marc Tischkowitz, Arleen D. Auerbach. Submitter to LOVD: Marc Tischkowitz.

Counsyl
Classification: Uncertain significance for Familial cancer of breast. Last evaluated: 2017-03-22. Review status: no assertion criteria provided. Collection method: clinical testing. Allele origin: unknown. Not counted in ClinVar's aggregate classification.

Literature cited by the submitters: PubMed 19635604 (cited by 4 submitters).

NM_024675.4(PALB2):c.854C>T (p.Ser285Leu)

Gene: PALB2 (partner and localizer of BRCA2; minus strand). Cytogenetic location: 16p12.2.
Variant type: single nucleotide variant.
Coding change: c.854C>T on transcript NM_024675.4 (MANE Select); coding-DNA position 854, C replaced by T.
Protein change: p.Ser285Leu; replaces serine 285 with leucine.
Molecular consequence: missense variant.
Genome position (GRCh38, 1-based): chr16:23,635,692, G>A on the plus strand (C>T on the coding strand, the complement: PALB2 is on the minus strand). VCF-style: chr16-23635692-G-A. GRCh37 (hg19) VCF-style: chr16-23647013-G-A.
Other names: short protein forms S285L.
Identifiers: ClinVar variation 126775 (VCV000126775.19), dbSNP rs180177094, ClinGen allele CA269657.